The following is an entry in ClinVar:

NM_004006.3(DMD):c.149T>C (p.Leu50Pro)

Gene: DMD (dystrophin; minus strand). Cytogenetic location: Xp21.1.
Variant type: single nucleotide variant.
Coding change: c.149T>C on transcript NM_004006.3 (MANE Select); coding-DNA position 149, T replaced by C.
Protein change: p.Leu50Pro; replaces leucine 50 with proline.
Molecular consequence: missense variant. On other transcripts: 5 prime UTR variant (1).
Genome position (GRCh38, 1-based): chrX:32,849,765, A>G on the plus strand (T>C on the coding strand, the complement: DMD is on the minus strand). VCF-style: chrX-32849765-A-G. GRCh37 (hg19) VCF-style: chrX-32867882-A-G.
Other names: c.125T>C, p.Leu42Pro (NM_000109.4); c.137T>C, p.Leu46Pro (NM_004009.3); c.-221T>C (NM_004010.3); short protein forms L46P, L50P, L42P.
Identifiers: ClinVar variation 5008800 (VCV005008800.1).
Genomic context (GRCh38, chrX:32,849,765, plus strand): 5'-TTTCTTAAAAATAAGTCACATACCAGTTTTTGCCCTGTCAGGCCTTCGAGGAGGTCTAGG[A>G]GGCGCCTCCCATCCTGTAGGTCACTGAAGAGGTTCTCAATATGCTGCTTCCCAAACTGAA-3'
Protein context (NP_003997.2, residues 40-60): LFSDLQDGRR[Leu50Pro]LDLLEGLTGQ

ClinVar aggregate classification (germline): Uncertain significance (1 of 4 stars; one submission).

Submission:

GeneDx
Classification: Uncertain significance. Last evaluated: 2026-03-09. Review status: criteria provided, single submitter. Criteria: GeneDx Variant Classification Process June 2021. Collection method: clinical testing. Allele origin: germline.
Comment: Not observed at significant frequency in large population cohorts (gnomAD); In silico analysis supports that this missense variant has a deleterious effect on protein structure/function; Missense variant in a gene in which most reported pathogenic variants are truncating/loss of function; Has not been previously published as pathogenic or benign to our knowledge